The following is an entry in ClinVar:

NM_001267550.2(TTN):c.102242G>C (p.Ser34081Thr)

Genes: TTN (titin; minus strand), TTN-AS1 (TTN antisense RNA 1; plus strand). Cytogenetic location: 2q31.2.
Variant type: single nucleotide variant.
Coding change: c.102242G>C on transcript NM_001267550.2 (MANE Select); coding-DNA position 102242, G replaced by C.
Protein change: p.Ser34081Thr; replaces serine 34081 with threonine.
Molecular consequence: missense variant.
Genome position (GRCh38, 1-based): chr2:178,534,373, C>G on the plus strand (G>C on the coding strand, the complement: TTN is on the minus strand). VCF-style: chr2-178534373-C-G. GRCh37 (hg19) VCF-style: chr2-179399100-C-G.
Other names: c.97319G>C, p.Ser32440Thr (NM_001256850.1); c.75047G>C, p.Ser25016Thr (NM_003319.4); c.94538G>C, p.Ser31513Thr (NM_133378.4); c.75422G>C, p.Ser25141Thr (NM_133432.3); c.75623G>C, p.Ser25208Thr (NM_133437.4); short protein forms S25016T, S25141T, S32440T, S34081T, S25208T, S31513T.
Identifiers: ClinVar variation 863017 (VCV000863017.8), dbSNP rs1690505739, ClinGen allele CA349418052.

ClinVar aggregate classification (germline): Uncertain significance (1 of 4 stars; one submission).

Conditions:
Dilated cardiomyopathy 1G (CMD1G). Identifiers: Orphanet 154, MedGen C1858763, MONDO:0011400, OMIM 604145.
Autosomal recessive limb-girdle muscular dystrophy type 2J (LGMDR10). Also called: MUSCULAR DYSTROPHY, LIMB-GIRDLE, AUTOSOMAL RECESSIVE 10; Limb-girdle muscular dystrophy, type 2J. Identifiers: Orphanet 140922, MedGen C1837342, MONDO:0012127, OMIM 608807.

Submission:

Labcorp Genetics (formerly Invitae), Labcorp
Classification: Uncertain significance for Dilated cardiomyopathy 1G; Autosomal recessive limb-girdle muscular dystrophy type 2J. Last evaluated: 2019-01-20. Review status: criteria provided, single submitter. Criteria: Invitae Variant Classification Sherloc (09022015). Collection method: clinical testing. Allele origin: germline.
Comment: Algorithms developed to predict the effect of missense changes on protein structure and function are unavailable for the TTN gene. This variant is located in the M band of TTN (PMID: 25589632). Variants in this region may be relevant for neuromuscular disorders, but have not been definitively shown to cause cardiomyopathy (PMID: 23975875). In summary, the available evidence is currently insufficient to determine the role of this variant in disease. Therefore, it has been classified as a Variant of Uncertain Significance. This variant has not been reported in the literature in individuals with TTN-related conditions. This variant is not present in population databases (ExAC no frequency). This sequence change replaces serine with threonine at codon 34081 of the TTN protein (p.Ser34081Thr). There is a small physicochemical difference between serine and threonine.

Literature cited by the submitters: PubMed 25589632; PubMed 23975875.